The following is an entry in ClinVar:

ClinVar aggregate classification (germline): Uncertain significance (1 of 4 stars; one submission).

gnomAD v4.1: 3 of 1,551,532 alleles (0.00019%); highest among the groups gnomAD compares: South Asian, 0.0024%; no homozygotes.

Submission:

Women's Health and Genetics/Laboratory Corporation of America, LabCorp
Classification: Uncertain significance. Last evaluated: 2025-09-05. Review status: criteria provided, single submitter. Criteria: LabCorp Variant Classification Summary - May 2015. Collection method: clinical testing. Allele origin: germline.
Comment: Variant summary: LOXHD1 c.5692G>T (p.Gly1898Trp) results in a non-conservative amino acid change in the encoded protein sequence. Algorithms developed to predict the effect of missense changes on protein structure and function all suggest that this variant is likely to be disruptive. The variant allele was found at a frequency of 6.4e-06 in 156184 control chromosomes. The available data on variant occurrences in the general population are insufficient to allow any conclusion about variant significance. To our knowledge, no occurrence of c.5692G>T in individuals affected with LOXHD1-related conditions and no experimental evidence demonstrating its impact on protein function have been reported. No submitters have cited clinical-significance assessments for this variant to ClinVar. Based on the evidence outlined above, the variant was classified as uncertain significance.

NM_001384474.1(LOXHD1):c.5878G>T (p.Gly1960Trp)

Gene: LOXHD1 (lipoxygenase homology PLAT domains 1; minus strand). Cytogenetic location: 18q21.1.
Variant type: single nucleotide variant.
Coding change: c.5878G>T on transcript NM_001384474.1 (MANE Select); coding-DNA position 5878, G replaced by T.
Protein change: p.Gly1960Trp; replaces glycine 1960 with tryptophan.
Molecular consequence: missense variant.
Genome position (GRCh38, 1-based): chr18:46,505,838, C>A on the plus strand (G>T on the coding strand, the complement: LOXHD1 is on the minus strand). VCF-style: chr18-46505838-C-A. GRCh37 (hg19) VCF-style: chr18-44085801-C-A.
Other names: c.2545G>T, p.Gly849Trp (NM_001145472.3); c.595G>T, p.Gly199Trp (NM_001145473.3, NM_001173129.2); c.2257G>T, p.Gly753Trp (NM_001308013.2); c.5692G>T, p.Gly1898Trp (NM_144612.7); short protein forms G1898W, G1960W, G199W, G753W, G849W.
Identifiers: ClinVar variation 4535740 (VCV004535740.1).